The following is an entry in ClinVar:

NM_001024630.4(RUNX2):c.392G>C (p.Arg131Pro)

Gene: RUNX2 (RUNX family transcription factor 2; plus strand). Cytogenetic location: 6p21.1.
Variant type: single nucleotide variant.
Coding change: c.392G>C on transcript NM_001024630.4 (MANE Select); coding-DNA position 392, G replaced by C.
Protein change: p.Arg131Pro; replaces arginine 131 with proline.
Molecular consequence: missense variant.
Genome position (GRCh38, 1-based): chr6:45,422,926, G>C. VCF-style: chr6-45422926-G-C. GRCh37 (hg19) VCF-style: chr6-45390663-G-C.
Other names: c.392G>C, p.Arg131Pro (NM_001015051.4); c.350G>C, p.Arg117Pro (NM_001278478.2, NM_001369405.1); c.392G>C (NM_001024630.3); short protein forms R117P, R131P.
Identifiers: ClinVar variation 3647371 (VCV003647371.3).

ClinVar aggregate classification (germline): Conflicting classifications of pathogenicity. Review status: criteria provided, conflicting classifications (1 of 4 stars). 2 submissions from 2 submitters: Pathogenic (1); Uncertain significance (1). Last evaluated 2026-03-27.

Submissions (2):

GeneDx
Classification: Pathogenic. Last evaluated: 2026-03-27. Review status: criteria provided, single submitter. Criteria: GeneDx Variant Classification Process June 2021. Collection method: clinical testing. Allele origin: germline.
Comment: Not observed at significant frequency in large population cohorts (gnomAD); In silico analysis supports that this missense variant has a deleterious effect on protein structure/function; Has not been previously published as pathogenic or benign to our knowledge

Labcorp Genetics (formerly Invitae), Labcorp
Classification: Uncertain significance. Last evaluated: 2024-03-23. Review status: criteria provided, single submitter. Criteria: Invitae Variant Classification Sherloc (09022015). Collection method: clinical testing. Allele origin: germline.
Comment: This sequence change replaces arginine, which is basic and polar, with proline, which is neutral and non-polar, at codon 131 of the RUNX2 protein (p.Arg131Pro). This variant is not present in population databases (gnomAD no frequency). This variant has not been reported in the literature in individuals affected with RUNX2-related conditions. Advanced modeling of protein sequence and biophysical properties (such as structural, functional, and spatial information, amino acid conservation, physicochemical variation, residue mobility, and thermodynamic stability) performed at Invitae indicates that this missense variant is expected to disrupt RUNX2 protein function with a positive predictive value of 80%. This variant disrupts the p.Arg131 amino acid residue in RUNX2. Other variant(s) that disrupt this residue have been determined to be pathogenic (PMID: 16270353, 20225274). This suggests that this residue is clinically significant, and that variants that disrupt this residue are likely to be disease-causing. In summary, the available evidence is currently insufficient to determine the role of this variant in disease. Therefore, it has been classified as a Variant of Uncertain Significance.

Literature cited by the submitters: PubMed 16270353 (cited by Labcorp Genetics (formerly Invitae), Labcorp); PubMed 20225274 (cited by Labcorp Genetics (formerly Invitae), Labcorp).